The following is an entry in ClinVar:

ClinVar aggregate classification (germline): Uncertain significance (1 of 4 stars; one submission).

Submission:

Labcorp Genetics (formerly Invitae), Labcorp
Classification: Uncertain significance. Last evaluated: 2023-07-25. Review status: criteria provided, single submitter. Criteria: Invitae Variant Classification Sherloc (09022015). Collection method: clinical testing. Allele origin: germline.
Comment: This variant is not present in population databases (gnomAD no frequency). In summary, the available evidence is currently insufficient to determine the role of this variant in disease. Therefore, it has been classified as a Variant of Uncertain Significance. Advanced modeling of protein sequence and biophysical properties (such as structural, functional, and spatial information, amino acid conservation, physicochemical variation, residue mobility, and thermodynamic stability) performed at Invitae indicates that this missense variant is not expected to disrupt PROM1 protein function. This variant has not been reported in the literature in individuals affected with PROM1-related conditions. This sequence change replaces lysine, which is basic and polar, with asparagine, which is neutral and polar, at codon 565 of the PROM1 protein (p.Lys565Asn).

NM_006017.3(PROM1):c.1695A>C (p.Lys565Asn)

Gene: PROM1 (prominin 1; minus strand). Cytogenetic location: 4p15.32.
Variant type: single nucleotide variant.
Coding change: c.1695A>C on transcript NM_006017.3 (MANE Select); coding-DNA position 1695, A replaced by C.
Protein change: p.Lys565Asn; replaces lysine 565 with asparagine.
Molecular consequence: missense variant.
Genome position (GRCh38, 1-based): chr4:15,994,059, T>G on the plus strand (A>C on the coding strand, the complement: PROM1 is on the minus strand). VCF-style: chr4-15994059-T-G. GRCh37 (hg19) VCF-style: chr4-15995682-T-G.
Other names: c.1668A>C, p.Lys556Asn (NM_001371406.1, NM_001371407.1, NM_001371408.1 and 4 more transcripts); c.1695A>C, p.Lys565Asn (NM_001145849.2, NM_001145850.2); short protein forms K565N, K556N.
Identifiers: ClinVar variation 2855872 (VCV002855872.3), dbSNP rs2529783552, ClinGen allele CA356431379.